The following is an entry in ClinVar:

NM_000179.3(MSH6):c.1313T>C (p.Met438Thr)

Gene: MSH6 (mutS homolog 6; plus strand). Cytogenetic location: 2p16.3.
Variant type: single nucleotide variant.
Coding change: c.1313T>C on transcript NM_000179.3 (MANE Select); coding-DNA position 1313, T replaced by C.
Protein change: p.Met438Thr; replaces methionine 438 with threonine.
Molecular consequence: missense variant.
Genome position (GRCh38, 1-based): chr2:47,799,296, T>C. VCF-style: chr2-47799296-T-C. GRCh37 (hg19) VCF-style: chr2-48026435-T-C.
Other names: c.923T>C, p.Met308Thr (NM_001281492.2); c.407T>C, p.Met136Thr (NM_001281493.2, NM_001281494.2); short protein forms M136T, M308T, M438T.
Identifiers: ClinVar variation 965513 (VCV000965513.12), dbSNP rs1558661333, ClinGen allele CA346744381.
Genomic context (GRCh38, chr2:47,799,296, plus strand): 5'-CTCAGAACTTTGATCTTGTCATCTGTTACAAGGTGGGGAAATTTTATGAGCTGTACCACA[T>C]GGATGCTCTTATTGGAGTCAGTGAACTGGGGCTGGTATTCATGAAAGGCAACTGGGCCCA-3'
Protein context (NP_000170.1, residues 428-448): KVGKFYELYH[Met438Thr]DALIGVSELG

ClinVar aggregate classification (germline): Uncertain significance. Review status: criteria provided, multiple submitters, no conflicts (2 of 4 stars). 2 submissions from 2 submitters: Uncertain significance (2). Last evaluated 2019-11-04.

Conditions:
Hereditary nonpolyposis colorectal neoplasms. Identifiers: MedGen C0009405, MeSH D003123.
Hereditary cancer-predisposing syndrome. Also called: Hereditary neoplastic syndrome; Neoplastic Syndromes, Hereditary; Hereditary Cancer Syndrome; Tumor predisposition. Identifiers: Orphanet 140162, MedGen C0027672, MeSH D009386, MONDO:0015356.

Submissions (2):

Labcorp Genetics (formerly Invitae), Labcorp
Classification: Uncertain significance for Hereditary nonpolyposis colorectal neoplasms. Last evaluated: 2019-11-04. Review status: criteria provided, single submitter. Criteria: Invitae Variant Classification Sherloc (09022015). Collection method: clinical testing. Allele origin: germline.
Comment: This variant is not present in population databases (ExAC no frequency). In summary, the available evidence is currently insufficient to determine the role of this variant in disease. Therefore, it has been classified as a Variant of Uncertain Significance. Algorithms developed to predict the effect of missense changes on protein structure and function are either unavailable or do not agree on the potential impact of this missense change (SIFT: "Deleterious"; PolyPhen-2: "Benign"; Align-GVGD: "Class C65"). This variant has not been reported in the literature in individuals with MSH6-related conditions. This sequence change replaces methionine with threonine at codon 438 of the MSH6 protein (p.Met438Thr). The methionine residue is highly conserved and there is a moderate physicochemical difference between methionine and threonine.

Ambry Genetics
Classification: Uncertain significance for Hereditary cancer-predisposing syndrome. Last evaluated: 2018-04-19. Review status: criteria provided, single submitter. Criteria: Ambry Variant Classification Scheme 2023. Collection method: clinical testing. Allele origin: germline.
Comment: The p.M438T variant (also known as c.1313T>C), located in coding exon 4 of the MSH6 gene, results from a T to C substitution at nucleotide position 1313. The methionine at codon 438 is replaced by threonine, an amino acid with similar properties. This amino acid position is highly conserved in available vertebrate species. In addition, this alteration is predicted to be deleterious by in silico analysis. In addition, the CoDP in silico tool predicts this alteration to have a minor impact on molecular function, with a score of 0.379 (Terui H et al. J. Biomed. Sci. 2013 Apr;20:25). Since supporting evidence is limited at this time, the clinical significance of this alteration remains unclear.